The following is an entry in ClinVar:

ClinVar aggregate classification (germline): Uncertain significance (1 of 4 stars; one submission).

Conditions:
Familial adenomatous polyposis 1 (FAP1). Also called: FAMILIAL ADENOMATOUS POLYPOSIS 1, ATTENUATED; POLYPOSIS, ADENOMATOUS INTESTINAL. Identifiers: MedGen C2713442, MONDO:0021056, OMIM 175100. Disease mechanism: loss of function.

Allele frequency attached by ClinVar (database versions not stated): gnomAD exomes 0.00001.

Submission:

Labcorp Genetics (formerly Invitae), Labcorp
Classification: Uncertain significance for Familial adenomatous polyposis 1. Last evaluated: 2025-04-28. Review status: criteria provided, single submitter. Criteria: Invitae Variant Classification Sherloc (09022015). Collection method: clinical testing. Allele origin: germline.
Comment: This variant occurs in a non-coding region of the APC gene. It does not change the encoded amino acid sequence of the APC protein. This variant is not present in population databases (gnomAD no frequency). This variant has not been reported in the literature in individuals affected with APC-related conditions. ClinVar contains an entry for this variant (Variation ID: 469889). Experimental studies and prediction algorithms are not available or were not evaluated, and the functional significance of this variant is currently unknown. In summary, the available evidence is currently insufficient to determine the role of this variant in disease. Therefore, it has been classified as a Variant of Uncertain Significance.

NC_000005.10:g.112707384G>C

Gene: APC (APC regulator of Wnt signaling pathway; plus strand). Cytogenetic location: 5q22.2.
Variant type: single nucleotide variant.
Genome position: GRCh38 VCF-style: chr5-112707384-G-C. GRCh37 (hg19) VCF-style: chr5-112043081-G-C.
Identifiers: ClinVar variation 469889 (VCV000469889.9), dbSNP rs1554060128, ClinGen allele CA658655871.